The following is an entry in ClinVar:

ClinVar aggregate classification (germline): Uncertain significance (1 of 4 stars; one submission).

Submission:

Ambry Genetics
Classification: Uncertain significance. Last evaluated: 2026-03-21. Review status: criteria provided, single submitter. Criteria: Ambry Variant Classification Scheme 2023. Collection method: clinical testing. Allele origin: germline.
Comment: The p.P891A variant (also known as c.2671C>G), located in coding exon 11 of the WNK2 gene, results from a C to G substitution at nucleotide position 2671. The proline at codon 891 is replaced by alanine, an amino acid with highly similar properties. This amino acid position is conserved. In addition, this alteration is predicted to be tolerated by in silico analysis. Based on the available evidence, the clinical significance of this variant remains unclear.

NM_006648.4(WNK2):c.2671C>G (p.Pro891Ala)

Gene: WNK2 (WNK lysine deficient protein kinase 2; plus strand). Cytogenetic location: 9q22.31.
Variant type: single nucleotide variant.
Coding change: c.2671C>G on transcript NM_006648.4 (MANE Select); coding-DNA position 2671, C replaced by G.
Protein change: p.Pro891Ala; replaces proline 891 with alanine.
Molecular consequence: missense variant.
Genome position (GRCh38, 1-based): chr9:93,259,219, C>G. VCF-style: chr9-93259219-C-G. GRCh37 (hg19) VCF-style: chr9-96021501-C-G.
Other names: c.2671C>G, p.Pro891Ala (NM_001282394.3); short protein forms P891A.
Identifiers: ClinVar variation 4866531 (VCV004866531.1).